The following is an entry in ClinVar:

ClinVar aggregate classification (germline): Pathogenic/Likely pathogenic. Review status: criteria provided, multiple submitters, no conflicts (2 of 4 stars). 4 submissions from 4 submitters: Pathogenic (1); Likely pathogenic (3). Last evaluated 2025-10-20.

Conditions:
Miyoshi muscular dystrophy 1 (MMD1). Identifiers: Orphanet 45448, MedGen C4551973, MONDO:0024545, OMIM 254130.
Autosomal recessive limb-girdle muscular dystrophy type 2B (LGMDR2). Also called: MUSCULAR DYSTROPHY, LIMB-GIRDLE, TYPE 3; MUSCULAR DYSTROPHY, LIMB-GIRDLE, AUTOSOMAL RECESSIVE 2; Limb-girdle muscular dystrophy, type 2B; Limb-Girdle Muscular Dystrophy Type 2B (LGMD2B). Identifiers: Orphanet 268, MedGen C1850889, MONDO:0009676, OMIM 253601.
Distal myopathy with anterior tibial onset. Identifiers: Orphanet 178400, MedGen C1847532, MONDO:0011721, OMIM 606768.
Neuromuscular disease caused by qualitative or quantitative defects of dysferlin. Also called: Dysferlinopathy; Qualitative or quantitative defects of dysferlin. Identifiers: Orphanet 207073, MedGen C2931687, MONDO:0016145.

gnomAD v4.1: 1 of 1,614,092 alleles (0.000062%); highest among the groups gnomAD compares: East Asian, 0.0022%; no homozygotes.

Submissions (4):

Natera, Inc.
Classification: Likely pathogenic for Limb-girdle muscular dystrophy type 2B. Last evaluated: 2025-10-20. Review status: criteria provided, single submitter. Criteria: Natera Variant Classification Schema (03/2026). Collection method: clinical testing. Allele origin: germline.
Comment: The c.4024C>G variant in DYSF is a missense variant predicted to cause substitution of arginine to glycine at amino acid 1342. This variant is rare in the general population with a frequency below the threshold expected for the associated phenotype(s). This variant has been observed in one or more individuals affected with the associated recessive disease, as either homozygous or compound heterozygous with a second variant (PMID: 27647186). This variant has been identified in one or more affected individual with a phenotype highly consistent with the associated gene (PMID: 27647186). Computational prediction algorithms indicate this variant is likely to affect gene or protein function. Given the available evidence, this variant is classified as Likely Pathogenic.

Fulgent Genetics
Classification: Likely pathogenic for Autosomal recessive limb-girdle muscular dystrophy type 2B; Miyoshi muscular dystrophy 1; Distal myopathy with anterior tibial onset. Last evaluated: 2024-05-10. Review status: criteria provided, single submitter. Criteria: ACMG Guidelines, 2015. Collection method: clinical testing. Allele origin: germline.

Baylor Genetics
Classification: Likely pathogenic for Miyoshi muscular dystrophy 1. Last evaluated: 2024-03-14. Review status: criteria provided, single submitter. Criteria: ACMG Guidelines, 2015. Collection method: clinical testing. Allele origin: unknown.

Labcorp Genetics (formerly Invitae), Labcorp
Classification: Pathogenic for Neuromuscular disease caused by qualitative or quantitative defects of dysferlin. Last evaluated: 2022-12-04. Review status: criteria provided, single submitter. Criteria: Invitae Variant Classification Sherloc (09022015). Collection method: clinical testing. Allele origin: germline.
Comment: This sequence change replaces arginine, which is basic and polar, with glycine, which is neutral and non-polar, at codon 1342 of the DYSF protein (p.Arg1342Gly). For these reasons, this variant has been classified as Pathogenic. This variant disrupts the p.Arg1342 amino acid residue in DYSF. Other variant(s) that disrupt this residue have been determined to be pathogenic (PMID: 21522182). This suggests that this residue is clinically significant, and that variants that disrupt this residue are likely to be disease-causing. Algorithms developed to predict the effect of sequence changes on RNA splicing suggest that this variant may create or strengthen a splice site. Advanced modeling of protein sequence and biophysical properties (such as structural, functional, and spatial information, amino acid conservation, physicochemical variation, residue mobility, and thermodynamic stability) performed at Invitae indicates that this missense variant is expected to disrupt DYSF protein function. This missense change has been observed in individual(s) with limb girdle muscular dystrophy type 2B (PMID: 27647186). This variant is not present in population databases (gnomAD no frequency).

Literature cited by the submitters: PubMed 27647186 (cited by Natera, Inc. and Labcorp Genetics (formerly Invitae), Labcorp); PubMed 21522182 (cited by Labcorp Genetics (formerly Invitae), Labcorp).

NM_001130987.2(DYSF):c.4078C>G (p.Arg1360Gly)

Gene: DYSF (dysferlin; plus strand). Cytogenetic location: 2p13.2.
Variant type: single nucleotide variant.
Coding change: c.4078C>G on transcript NM_001130987.2 (MANE Select); coding-DNA position 4078, C replaced by G.
Protein change: p.Arg1360Gly; replaces arginine 1360 with glycine.
Molecular consequence: missense variant.
Genome position (GRCh38, 1-based): chr2:71,611,483, C>G. VCF-style: chr2-71611483-C-G. GRCh37 (hg19) VCF-style: chr2-71838613-C-G.
Other names: c.4024C>G (NM_003494.3); c.4027C>G, p.Arg1343Gly (NM_001130455.2, NM_001130983.2); c.3982C>G, p.Arg1328Gly (NM_001130976.2, NM_001130977.2); c.4024C>G, p.Arg1342Gly (NM_001130978.2, NM_003494.4); c.4117C>G, p.Arg1373Gly (NM_001130979.2); c.4075C>G, p.Arg1359Gly (NM_001130980.2, NM_001130981.2); c.4120C>G, p.Arg1374Gly (NM_001130982.2); c.3985C>G, p.Arg1329Gly (NM_001130984.2, NM_001130986.2); and 1 more; short protein forms R1329G, R1373G, R1374G, R1342G, R1343G, R1359G, R1328G, R1360G.
Identifiers: ClinVar variation 2203093 (VCV002203093.8), dbSNP rs199870606, ClinGen allele CA347228416.
Genomic context (GRCh38, chr2:71,611,483, plus strand): 5'-CCCGGGGCCTTCTGAGCCACTCTCCTCATTCTGTGTGCTTAGATCCTGGCATGGGGCCTG[C>G]GGAACATGAAGAGTTACCAGCTGGCCAACATCTCCTCCCCCAGCCTCGTGGTAGAGTGTG-3'
Protein context (NP_001124459.1, residues 1350-1370): TAIEILAWGL[Arg1360Gly]NMKSYQLANI